The following is an entry in ClinVar:

ClinVar aggregate classification (germline): Likely pathogenic (1 of 4 stars; one submission).

Conditions:
Bleeding and platelet disorders.

Submission:

North West Genomic Laboratory Hub, Manchester University NHS Foundation Trust
Classification: Likely pathogenic for Bleeding and platelet disorders. Last evaluated: 2024-10-02. Review status: criteria provided, single submitter. Criteria: ACGS Best Practice Guidelines for Variant Classification in Rare Disease 2020. Collection method: clinical testing. Allele origin: germline. Affected: yes.
Comment: PP1_Mod PM5_Mod PM2_Mod PP3_Supp

NM_000173.7(GP1BA):c.97T>G (p.Cys33Gly)

Gene: GP1BA (glycoprotein Ib platelet subunit alpha; plus strand). Cytogenetic location: 17p13.2.
Variant type: single nucleotide variant.
Coding change: c.97T>G on transcript NM_000173.7 (MANE Select); coding-DNA position 97, T replaced by G.
Protein change: p.Cys33Gly; replaces cysteine 33 with glycine.
Molecular consequence: missense variant.
Genome position (GRCh38, 1-based): chr17:4,932,701, T>G. VCF-style: chr17-4932701-T-G. GRCh37 (hg19) VCF-style: chr17-4835996-T-G.
Other names: short protein forms C33G.
Identifiers: ClinVar variation 4871730 (VCV004871730.1).